The following is an entry in ClinVar:

ClinVar aggregate classification (germline): Uncertain significance (1 of 4 stars; one submission).

Conditions:
Atrial fibrillation, familial, 18 (ATFB18). Identifiers: MedGen C4310636, MONDO:0015001, OMIM 617280.

Submission:

Labcorp Genetics (formerly Invitae), Labcorp
Classification: Uncertain significance for Atrial fibrillation, familial, 18. Last evaluated: 2023-03-31. Review status: criteria provided, single submitter. Criteria: Invitae Variant Classification Sherloc (09022015). Collection method: clinical testing. Allele origin: germline.
Comment: In summary, the available evidence is currently insufficient to determine the role of this variant in disease. Therefore, it has been classified as a Variant of Uncertain Significance. An algorithm developed to predict the effect of missense changes on protein structure and function (PolyPhen-2) suggests that this variant is likely to be disruptive. This variant has not been reported in the literature in individuals affected with MYL4-related conditions. This variant is not present in population databases (gnomAD no frequency). This sequence change replaces histidine, which is basic and polar, with aspartic acid, which is acidic and polar, at codon 157 of the MYL4 protein (p.His157Asp).

NM_002476.2(MYL4):c.469C>G (p.His157Asp)

Gene: MYL4 (myosin light chain 4; plus strand). Cytogenetic location: 17q21.32.
Variant type: single nucleotide variant.
Coding change: c.469C>G on transcript NM_002476.2 (MANE Select); coding-DNA position 469, C replaced by G.
Protein change: p.His157Asp; replaces histidine 157 with aspartic acid.
Molecular consequence: missense variant.
Genome position (GRCh38, 1-based): chr17:47,221,837, C>G. VCF-style: chr17-47221837-C-G. GRCh37 (hg19) VCF-style: chr17-45299203-C-G.
Other names: c.469C>G, p.His157Asp (NM_001002841.2); short protein forms H157D.
Identifiers: ClinVar variation 2851150 (VCV002851150.3), dbSNP rs2547599804, ClinGen allele CA400022687.